The following is an entry in ClinVar:

ClinVar aggregate classification (germline): Uncertain significance (1 of 4 stars; one submission).

Conditions:
Developmental and epileptic encephalopathy, 23 (DEE23). Also called: Epileptic encephalopathy, early infantile, 23. Identifiers: Orphanet 411986, MedGen C4014492, MONDO:0014371, OMIM 615859.

Allele frequency attached by ClinVar (database versions not stated): gnomAD exomes below 0.00001; gnomAD 0.00001; TOPMed 0.00001.
gnomAD v4.1: 2 of 1,613,336 alleles (0.00012%); highest among the groups gnomAD compares: Admixed American, 0.0033%; no homozygotes.

Submission:

Labcorp Genetics (formerly Invitae), Labcorp
Classification: Uncertain significance for Developmental and epileptic encephalopathy, 23. Last evaluated: 2022-08-23. Review status: criteria provided, single submitter. Criteria: Invitae Variant Classification Sherloc (09022015). Collection method: clinical testing. Allele origin: germline.
Comment: In summary, the available evidence is currently insufficient to determine the role of this variant in disease. Therefore, it has been classified as a Variant of Uncertain Significance. Algorithms developed to predict the effect of missense changes on protein structure and function output the following: SIFT: "Tolerated"; PolyPhen-2: "Benign"; Align-GVGD: "Class C0". The glutamic acid amino acid residue is found in multiple mammalian species, which suggests that this missense change does not adversely affect protein function. ClinVar contains an entry for this variant (Variation ID: 1008563). This variant has not been reported in the literature in individuals affected with DOCK7-related conditions. This variant is present in population databases (no rsID available, gnomAD 0.006%). This sequence change replaces aspartic acid, which is acidic and polar, with glutamic acid, which is acidic and polar, at codon 225 of the DOCK7 protein (p.Asp225Glu).

NM_001367561.1(DOCK7):c.675C>G (p.Asp225Glu)

Gene: DOCK7 (dedicator of cytokinesis 7; minus strand). Cytogenetic location: 1p31.3.
Variant type: single nucleotide variant.
Coding change: c.675C>G on transcript NM_001367561.1 (MANE Select); coding-DNA position 675, C replaced by G.
Protein change: p.Asp225Glu; replaces aspartic acid 225 with glutamic acid.
Molecular consequence: missense variant.
Genome position (GRCh38, 1-based): chr1:62,648,163, G>C on the plus strand (C>G on the coding strand, the complement: DOCK7 is on the minus strand). VCF-style: chr1-62648163-G-C. GRCh37 (hg19) VCF-style: chr1-63113834-G-C.
Other names: c.675C>G, p.Asp225Glu (NM_001271999.2, NM_001272000.2, NM_001272001.2 and 3 more transcripts); short protein forms D225E.
Identifiers: ClinVar variation 1008563 (VCV001008563.9), dbSNP rs1250860441, ClinGen allele CA340627238.
Genomic context (GRCh38, chr1:62,648,163, plus strand): 5'-TACCTCATCTGGTGATGGATGCAAAGCAAAAAGTTCTTTGTGACGGTTTGATTTCCTTTG[G>C]TCATCATTCTGACGGTCTATTTCTTCATTTGGAGTTCGATCAAGTAAATTGGGAAGCAAA-3'
Protein context (NP_001354490.1, residues 215-235): PNEEIDRQND[Asp225Glu]QRKSNRHKEL